The following is an entry in ClinVar:

NM_020738.4(KIDINS220):c.2977C>T (p.Pro993Ser)

Gene: KIDINS220 (kinase D interacting substrate 220; minus strand). Cytogenetic location: 2p25.1.
Variant type: single nucleotide variant.
Coding change: c.2977C>T on transcript NM_020738.4 (MANE Select); coding-DNA position 2977, C replaced by T.
Protein change: p.Pro993Ser; replaces proline 993 with serine.
Molecular consequence: missense variant. On other transcripts: non-coding transcript variant (2).
Genome position (GRCh38, 1-based): chr2:8,770,704, G>A on the plus strand (C>T on the coding strand, the complement: KIDINS220 is on the minus strand). VCF-style: chr2-8770704-G-A. GRCh37 (hg19) VCF-style: chr2-8910834-G-A.
Other names: c.2980C>T, p.Pro994Ser (NM_001348729.2, NM_001348731.2, NM_001348734.2 and 3 more transcripts); c.2977C>T, p.Pro993Ser (NM_001348732.2, NM_001348735.2, NM_001348738.2 and 3 more transcripts); c.2851C>T, p.Pro951Ser (NM_001348736.2); short protein forms P993S, P951S, P994S.
Identifiers: ClinVar variation 2730526 (VCV002730526.3), dbSNP rs2527829379, ClinGen allele CA345773783.

ClinVar aggregate classification (germline): Uncertain significance (1 of 4 stars; one submission).

Submission:

Labcorp Genetics (formerly Invitae), Labcorp
Classification: Uncertain significance. Last evaluated: 2025-09-08. Review status: criteria provided, single submitter. Criteria: Invitae Variant Classification Sherloc (09022015). Collection method: clinical testing. Allele origin: germline.
Comment: This sequence change replaces proline, which is neutral and non-polar, with serine, which is neutral and polar, at codon 993 of the KIDINS220 protein (p.Pro993Ser). This variant is not present in population databases (gnomAD no frequency). This variant has not been reported in the literature in individuals affected with KIDINS220-related conditions. ClinVar contains an entry for this variant (Variation ID: 2730526). An algorithm developed to predict the effect of missense changes on protein structure and function (PolyPhen-2) suggests that this variant is likely to be tolerated. Algorithms developed to predict the effect of sequence changes on RNA splicing suggest that this variant may create or strengthen a splice site. In summary, the available evidence is currently insufficient to determine the role of this variant in disease. Therefore, it has been classified as a Variant of Uncertain Significance.